The following is an entry in ClinVar:

NM_018192.4(P3H2):c.499G>C (p.Ala167Pro)

Gene: P3H2 (prolyl 3-hydroxylase 2; minus strand). Cytogenetic location: 3q28.
Variant type: single nucleotide variant.
Coding change: c.499G>C on transcript NM_018192.4 (MANE Select); coding-DNA position 499, G replaced by C.
Protein change: p.Ala167Pro; replaces alanine 167 with proline.
Molecular consequence: missense variant. On other transcripts: 5 prime UTR variant (1).
Genome position (GRCh38, 1-based): chr3:189,995,424, C>G on the plus strand (G>C on the coding strand, the complement: P3H2 is on the minus strand). VCF-style: chr3-189995424-C-G. GRCh37 (hg19) VCF-style: chr3-189713213-C-G.
Other names: c.-45G>C (NM_001134418.2); short protein forms A167P.
Identifiers: ClinVar variation 1380825 (VCV001380825.6), dbSNP rs2108924851, ClinGen allele CA355759975.
Genomic context (GRCh38, chr3:189,995,424, plus strand): 5'-TCTGCTGCATTTCCATGTGCTCAGGGTTAGCCACGAAAAATGTGTGAGCTGCTTCCACTG[C>G]TTTTTCGAGCTGGTTAAGCTAAAGAGAAAAAAAAATGACCAAAATGAAGGCAAATATTTC-3'
Protein context (NP_060662.2, residues 157-177): AYIKLNQLEK[Ala167Pro]VEAAHTFFVA

ClinVar aggregate classification (germline): Uncertain significance (1 of 4 stars; one submission).

gnomAD v4.1: 2 of 1,613,578 alleles (0.00012%); highest among the groups gnomAD compares: Non-Finnish European, 0.00017%; no homozygotes.

Submission:

Labcorp Genetics (formerly Invitae), Labcorp
Classification: Uncertain significance. Last evaluated: 2021-11-01. Review status: criteria provided, single submitter. Criteria: Invitae Variant Classification Sherloc (09022015). Collection method: clinical testing. Allele origin: germline.
Comment: This sequence change replaces alanine, which is neutral and non-polar, with proline, which is neutral and non-polar, at codon 167 of the P3H2 protein (p.Ala167Pro). This variant is not present in population databases (gnomAD no frequency). This variant has not been reported in the literature in individuals affected with P3H2-related conditions. Algorithms developed to predict the effect of missense changes on protein structure and function are either unavailable or do not agree on the potential impact of this missense change (SIFT: "Deleterious"; PolyPhen-2: "Probably Damaging"; Align-GVGD: "Class C0"). In summary, the available evidence is currently insufficient to determine the role of this variant in disease. Therefore, it has been classified as a Variant of Uncertain Significance.